The following is an entry in ClinVar:

ClinVar aggregate classification (germline): Benign/Likely benign. Review status: criteria provided, multiple submitters, no conflicts (2 of 4 stars). 15 submissions from 15 submitters: Benign (1); Likely benign (10). 4 of the submissions do not count toward it. Last evaluated 2026-01-19.

Conditions:
BRCA1-related disorder. Also called: BRCA1-related condition.
Hereditary breast ovarian cancer syndrome. Also called: Hereditary breast and ovarian cancer syndrome; Hereditary breast and ovarian cancer syndrome (HBOC); BRCA1- and BRCA2-Associated Hereditary Breast and Ovarian Cancer; Breast and ovarian cancer; Hereditary breast and ovarian cancer; Hereditary breast and/or ovarian cancer syndrome. Identifiers: Orphanet 145, MedGen C0677776, MeSH D061325, MONDO:0003582. Disease mechanism: loss of function.
Breast and/or ovarian cancer. Identifiers: MedGen CN221562.
Breast-ovarian cancer, familial, susceptibility to, 1 (BROVCA1). Also called: OVARIAN CANCER, SUSCEPTIBILITY TO; BRCA1 Hereditary Breast and Ovarian Cancer. Identifiers: Orphanet 145, MedGen C2676676, MONDO:0011450, OMIM 604370. Disease mechanism: loss of function.
Hereditary cancer-predisposing syndrome. Also called: Hereditary Cancer Syndrome; Hereditary neoplastic syndrome; Tumor predisposition; Neoplastic Syndromes, Hereditary. Identifiers: Orphanet 140162, MedGen C0027672, MeSH D009386, MONDO:0015356.

Allele frequency attached by ClinVar (database versions not stated): ExAC 0.00001; gnomAD exomes 0.00001; TOPMed 0.00001; gnomAD 0.00002.
gnomAD v4.1: 34 of 1,613,854 alleles (0.0021%); highest among the groups gnomAD compares: Non-Finnish European, 0.0027%; no homozygotes.

Submissions (16):

Labcorp Genetics (formerly Invitae), Labcorp
Classification: Likely benign for Hereditary breast ovarian cancer syndrome. Last evaluated: 2026-01-19. Review status: criteria provided, single submitter. Criteria: Invitae Variant Classification Sherloc (09022015). Collection method: clinical testing. Allele origin: germline.

Center for Genomic Medicine, Rigshospitalet, Copenhagen University Hospital
Classification: Likely benign. Last evaluated: 2025-03-04. Review status: criteria provided, single submitter. Criteria: ACMG Guidelines, 2015. Collection method: clinical testing. Allele origin: germline.

Molecular Diagnostics Laboratory, Catalan Institute of Oncology
Classification: Likely benign for Hereditary cancer-predisposing syndrome. Last evaluated: 2025-02-09. Review status: criteria provided, single submitter. Criteria: ClinGen BRCA1BRCA2 ACMG Specifications BRCA1 V1.0.0. Collection method: clinical testing. Allele origin: germline.
Comment: BS3, BP4, BP7 c.5334T>C, located in exon 21 (22 according BIC nomenclature) of the BRCA1 gene, that is a (potentially) clinically important functional domain, is predicted to result in no splicing alteration (according to SpliceAI) and no amino acid change, p.(Glu1725=) (BP4, BP7). This variant is found in 4/268290 alleles at a frequency of 0.0015% in the gnomAD v2.1.1 database, non-cancer dataset. This variant has been reported by one calibrated study incorporating mRNA splicing effects to affect function similar to benign control variants (PMID: 30209399) (BS3). To our knowledge, no relevant clinical data has been reported for this variant. In addition, it has been identified in the ClinVar (2x benign, 12x likely benign), LOVD (4x likely benign, 3x uncertain significance) and BRCA Exchange databases (not yet reviewed). Based on currently available information, the variant c.5334T>C should be considered a likely benign variant.

All of Us Research Program, National Institutes of Health
Classification: Likely benign for Breast-ovarian cancer, familial, susceptibility to, 1. Last evaluated: 2024-01-11. Review status: criteria provided, single submitter. Criteria: ACMG Guidelines, 2015. Collection method: clinical testing. Allele origin: germline. Inheritance: Autosomal dominant inheritance. Observed: 9 variant alleles, 9 heterozygotes.
Comment: This study involves interpretation of variants in research participants for the purpose of population health screening. Participant phenotype was not available at the time of variant classification. Additional details can be found in publication PMID: 35346344, PMCID: PMC8962531

Quest Diagnostics Nichols Institute San Juan Capistrano
Classification: Likely benign. Last evaluated: 2021-07-01. Review status: criteria provided, single submitter. Criteria: Quest Diagnostics criteria. Collection method: clinical testing. Allele origin: unknown.

Sema4
Classification: Likely benign for Hereditary cancer-predisposing syndrome. Last evaluated: 2021-01-26. Review status: criteria provided, single submitter. Criteria: Sema4 Curation Guidelines. Collection method: curation. Allele origin: germline.

CHEO Genetics Diagnostic Laboratory, Children's Hospital of Eastern Ontario
Classification: Likely benign for Breast and/or ovarian cancer. Last evaluated: 2019-11-26. Review status: criteria provided, single submitter. Criteria: ACMG Guidelines, 2015. Collection method: clinical testing. Allele origin: germline.

Color Diagnostics, LLC DBA Color Health
Classification: Likely benign for Hereditary cancer-predisposing syndrome. Last evaluated: 2017-05-08. Review status: criteria provided, single submitter. Criteria: ACMG Guidelines, 2015. Collection method: clinical testing. Allele origin: germline.

Women's Health and Genetics/Laboratory Corporation of America, LabCorp
Classification: Likely benign. Last evaluated: 2016-11-11. Review status: criteria provided, single submitter. Criteria: LabCorp Variant Classification Summary - May 2015. Collection method: clinical testing. Allele origin: germline.
Comment: Variant summary: The BRCA1 c.5334T>C (p.Asp1778Asp) variant involves the alteration of a non-conserved nucleotide, resulting in a synonymous change. Mutation taster predicts a damaging outcome for this substitution while 4/5 in splice prediction tools predict no impact on splicing by the variant. This variant is absent in 121004 control chromosomes. It was reported in HBOC families, however without strong evidence for causality. Furthermore, independent functional studies demonstrated the variant not to have an impact on splicing. In addition, clinical diagnostic laboratories/reputable databases classified this variant as likely benign. Taken together, this variant is classified as likely benign.

GeneDx
Classification: Benign. Last evaluated: 2015-03-03. Review status: criteria provided, single submitter. Criteria: GeneDx Variant Classification Process June 2021. Collection method: clinical testing. Allele origin: germline. Affected: yes.
Comment: This variant is associated with the following publications: (PMID: 30209399)

Ambry Genetics
Classification: Likely benign for Hereditary cancer-predisposing syndrome. Last evaluated: 2014-09-10. Review status: criteria provided, single submitter. Criteria: Ambry Variant Classification Scheme 2023. Collection method: clinical testing. Allele origin: germline.

PreventionGenetics, part of Exact Sciences
Classification: Likely benign for BRCA1-related condition. Last evaluated: 2019-07-22. Review status: no assertion criteria provided. Collection method: clinical testing. Allele origin: germline. Not counted in ClinVar's aggregate classification.
Comment: This variant is classified as likely benign based on ACMG/AMP sequence variant interpretation guidelines (Richards et al. 2015 PMID: 25741868, with internal and published modifications).

Counsyl
Classification: Likely benign for Breast-ovarian cancer, familial, susceptibility to, 1. Last evaluated: 2016-07-19. Review status: no assertion criteria provided. Collection method: clinical testing. Allele origin: unknown. Not counted in ClinVar's aggregate classification.

Brotman Baty Institute, University of Washington
No classification provided (evidence only). Condition: Breast-ovarian cancer, familial 1. Review status: no classification provided. Collection method: in vitro. Allele origin: not applicable. Functional consequence: functionally_normal. Not counted in ClinVar's aggregate classification.
ClinVar note: "not provided" was previously submitted as the classification for the variant. However, the classification appeared to be based only on an observation of functional data so it was converted to no classification on 2025-07-30.

Clinical Genetics Laboratory, Department of Pathology, Netherlands Cancer Institute
Classification: Likely benign. Review status: no assertion criteria provided. Collection method: clinical testing. Allele origin: germline. Affected: yes. Study: VKGL Data-share Consensus. Not counted in ClinVar's aggregate classification.

Laboratory of Diagnostic Genome Analysis, Leiden University Medical Center (LUMC)
Classification: Likely benign. Review status: no assertion criteria provided. Collection method: clinical testing. Allele origin: germline. Affected: yes. Study: VKGL Data-share Consensus. Not counted in ClinVar's aggregate classification.

Literature cited by the submitters: PubMed 21673748 (cited by 5 submitters); PubMed 22505045 (cited by 4 submitters); PubMed 23893897 (cited by Quest Diagnostics Nichols Institute San Juan Capistrano); PubMed 30209399 (cited by Quest Diagnostics Nichols Institute San Juan Capistrano and Sema4).

NM_007294.4(BRCA1):c.5334T>C (p.Asp1778=)

Gene: BRCA1 (BRCA1 DNA repair associated; minus strand). Cytogenetic location: 17q21.31.
Variant type: single nucleotide variant.
Coding change: c.5334T>C on transcript NM_007294.4 (MANE Select); coding-DNA position 5334, T replaced by C.
Protein change: p.Asp1778=; no amino-acid change (aspartic acid 1778 retained).
Molecular consequence: synonymous variant. On other transcripts: intron variant (19).
Genome position (GRCh38, 1-based): chr17:43,049,193, A>G on the plus strand (T>C on the coding strand, the complement: BRCA1 is on the minus strand). VCF-style: chr17-43049193-A-G. GRCh37 (hg19) VCF-style: chr17-41201210-A-G.
Other names: c.5121T>C, p.Asp1707= (NM_001407571.1, NM_001407894.1, NM_001407895.1 and 12 more transcripts); c.5400T>C, p.Asp1800= (NM_001407581.1, NM_001407582.1); c.5397T>C, p.Asp1799= (NM_001407583.1, NM_001407585.1, NM_001407587.1 and 1 more transcripts); c.5394T>C, p.Asp1798= (NM_001407590.1, NM_001407591.1); c.5334T>C, p.Asp1778= (NM_001407593.1, NM_001407594.1, NM_001407596.1 and 5 more transcripts); c.5331T>C, p.Asp1777= (NM_001407610.1, NM_001407611.1, NM_001407612.1 and 14 more transcripts); c.5328T>C, p.Asp1776= (NM_001407627.1, NM_001407628.1, NM_001407629.1 and 13 more transcripts); c.5325T>C, p.Asp1775= (NM_001407644.1, NM_001407645.1); and 84 more.
Identifiers: ClinVar variation 186289 (VCV000186289.36), dbSNP rs754152768, ClinGen allele CA003504.